The following is an entry in ClinVar:

NM_152743.4(BRAT1):c.1111C>T (p.His371Tyr)

Gene: BRAT1 (BRCA1 associated ATM activator 1; minus strand). Cytogenetic location: 7p22.3.
Variant type: single nucleotide variant.
Coding change: c.1111C>T on transcript NM_152743.4 (MANE Select); coding-DNA position 1111, C replaced by T.
Protein change: p.His371Tyr; replaces histidine 371 with tyrosine.
Molecular consequence: missense variant. On other transcripts: non-coding transcript variant (1).
Genome position (GRCh38, 1-based): chr7:2,541,741, G>A on the plus strand (C>T on the coding strand, the complement: BRAT1 is on the minus strand). VCF-style: chr7-2541741-G-A. GRCh37 (hg19) VCF-style: chr7-2581375-G-A.
Other names: c.1111C>T, p.His371Tyr (NM_001350626.2); c.586C>T, p.His196Tyr (NM_001350627.2); c.1111C>T (NM_152743.3); short protein forms H196Y, H371Y.
Identifiers: ClinVar variation 1428014 (VCV001428014.9), dbSNP rs1365739292, ClinGen allele CA366629631.

ClinVar aggregate classification (germline): Uncertain significance. Review status: criteria provided, multiple submitters, no conflicts (2 of 4 stars). 2 submissions from 2 submitters: Uncertain significance (2). Last evaluated 2025-01-26.

Conditions:
Neonatal-onset encephalopathy with rigidity and seizures. Also called: Lethal neonatal spasticity-epileptic encephalopathy syndrome. Identifiers: Orphanet 435845, MedGen C3281029, MONDO:0013784, OMIM 614498.
Inborn genetic diseases. Identifiers: MedGen C0950123, MeSH D030342.

Allele frequency attached by ClinVar (database versions not stated): gnomAD exomes below 0.00001.

Submissions (2):

Ambry Genetics
Classification: Uncertain significance for Inborn genetic diseases. Last evaluated: 2025-01-26. Review status: criteria provided, single submitter. Criteria: Ambry Variant Classification Scheme 2023. Collection method: clinical testing. Allele origin: germline.

Labcorp Genetics (formerly Invitae), Labcorp
Classification: Uncertain significance for Neonatal-onset encephalopathy with rigidity and seizures. Last evaluated: 2022-08-09. Review status: criteria provided, single submitter. Criteria: Invitae Variant Classification Sherloc (09022015). Collection method: clinical testing. Allele origin: germline.
Comment: This variant is present in population databases (no rsID available, gnomAD 0.0009%). This sequence change replaces histidine, which is basic and polar, with tyrosine, which is neutral and polar, at codon 371 of the BRAT1 protein (p.His371Tyr). In summary, the available evidence is currently insufficient to determine the role of this variant in disease. Therefore, it has been classified as a Variant of Uncertain Significance. Algorithms developed to predict the effect of missense changes on protein structure and function are either unavailable or do not agree on the potential impact of this missense change (SIFT: "Deleterious"; PolyPhen-2: "Benign"; Align-GVGD: "Class C65"). ClinVar contains an entry for this variant (Variation ID: 1428014). This variant has not been reported in the literature in individuals affected with BRAT1-related conditions.